The following is an entry in ClinVar:

NM_000051.4(ATM):c.3576_3576+7del

Gene: ATM (ATM serine/threonine kinase; plus strand). Cytogenetic location: 11q22.3.
Variant type: Deletion.
Coding change: c.3576_3576+7del on transcript NM_000051.4 (MANE Select); coding-DNA position 3576 through 7 bases into the intron after coding-DNA position 3576, 8 bases deleted (GGTATATA; older notation c.3576_3576+7delGGTATATA).
Molecular consequence: splice donor variant.
Genome position (GRCh38, 1-based): chr11:108,281,168-108,281,175, GGTATATA deleted; deleting any 8 consecutive bases within chr11:108,281,167-108,281,175 gives the same sequence; the c. name uses the placement nearest the transcript's 3' end. VCF-style (leftmost placement, unchanged base first): chr11-108281166-AAGGTATAT-A. GRCh37 (hg19) VCF-style: chr11-108151893-AAGGTATAT-A.
Other names: c.3576_3576+7del (NM_001351834.2).
Identifiers: ClinVar variation 2453974 (VCV002453974.3), dbSNP rs2546871694, ClinGen allele CA2580083226.

ClinVar aggregate classification (germline): Likely pathogenic. Review status: criteria provided, multiple submitters, no conflicts (2 of 4 stars). 3 submissions from 3 submitters: Likely pathogenic (3). Last evaluated 2025-05-15.

Conditions:
Hereditary cancer-predisposing syndrome. Also called: Neoplastic Syndromes, Hereditary; Hereditary neoplastic syndrome; Tumor predisposition; Hereditary Cancer Syndrome. Identifiers: Orphanet 140162, MedGen C0027672, MeSH D009386, MONDO:0015356.
Familial cancer of breast. Also called: BREAST CANCER, FAMILIAL; hereditary breast carcinoma; Hereditary breast cancer. Identifiers: Orphanet 227535, MedGen C0346153, MONDO:0016419, OMIM 114480. Disease mechanism: loss of function.

Submissions (3):

EVOGEN
Classification: Likely pathogenic for Familial cancer of breast. Last evaluated: 2025-05-15. Review status: criteria provided, single submitter. Criteria: ACMG Guidelines, 2015. Collection method: clinical testing. Allele origin: germline. Affected: yes.
Comment: PVS1: Null variant (intronic within ±2 of splice site) in gene ATM. Loss-of-function is a known mechanism of disease (gene has 3 549 reported pathogenic LOF variants). PP5: ClinVar classifies this variant as Likely Pathogenic, 2 stars. PM2: Variant not found in gnomAD genomes, good gnomAD genomes coverage = 31.3. Variant not found in gnomAD exomes, good gnomAD exomes coverage = 33.5. Data from ClinVar submitters: VCV002453974.2 Moscow City Health Department financial support

Myriad Genetics, Inc.
Classification: Likely pathogenic for Familial cancer of breast. Last evaluated: 2024-01-22. Review status: criteria provided, single submitter. Criteria: Myriad Autosomal Dominant, Autosomal Recessive and X-Linked Classification Criteria (2023). Collection method: clinical testing. Allele origin: unknown.
Comment: This variant is considered likely pathogenic. This variant occurs within a consensus splice junction and is predicted to result in abnormal mRNA splicing of either an out-of-frame exon or an in-frame exon necessary for protein stability and/or normal function.

Ambry Genetics
Classification: Likely pathogenic for Hereditary cancer-predisposing syndrome. Last evaluated: 2023-02-23. Review status: criteria provided, single submitter. Criteria: Ambry Variant Classification Scheme 2023. Collection method: clinical testing. Allele origin: germline.
Comment: The c.3576_3576+7delGGTATATA variant results from a deletion of 8 nucleotides between positions c.3576 and c.3576+7 and involves the canonical splice donor site after coding exon 23 of the ATM gene. This variant was reported in 2/60,466 breast cancer cases and in 0/53,461 controls (Dorling et al. N Engl J Med. 2021 02;384:428-439). This variant is considered to be rare based on population cohorts in the Genome Aggregation Database (gnomAD). The canonical splice donor site is well conserved in available vertebrate species. Using the BDGP and ESEfinder splice site prediction tools, this alteration is predicted to abolish the native donor splice site; however, direct evidence is unavailable. Alterations that disrupt the canonical splice site are expected to cause aberrant splicing, resulting in an abnormal protein or a transcript that is subject to nonsense-mediated mRNA decay. As such, this alteration is classified as likely pathogenic.

Literature cited by the submitters: PubMed 33471991 (cited by Ambry Genetics).